The following is an entry in ClinVar:

ClinVar aggregate classification (germline): Pathogenic (1 of 4 stars; one submission).

Submission:

Labcorp Genetics (formerly Invitae), Labcorp
Classification: Pathogenic. Last evaluated: 2022-01-28. Review status: criteria provided, single submitter. Criteria: Invitae Variant Classification Sherloc (09022015). Collection method: clinical testing. Allele origin: germline.
Comment: For these reasons, this variant has been classified as Pathogenic. This variant has not been reported in the literature in individuals affected with NDUFAF5-related conditions. This variant is not present in population databases (gnomAD no frequency). This sequence change creates a premature translational stop signal (p.Arg61Glyfs*14) in the NDUFAF5 gene. It is expected to result in an absent or disrupted protein product. Loss-of-function variants in NDUFAF5 are known to be pathogenic (PMID: 26275793, 30473481, 32918965).

Literature cited by the submitters: PubMed 26275793; PubMed 30473481; PubMed 32918965.

NM_024120.5(NDUFAF5):c.173_180dup (p.Arg61fs)

Genes: NDUFAF5 (NADH:ubiquinone oxidoreductase complex assembly factor 5; plus strand), LOC130065433 (ATAC-STARR-seq lymphoblastoid active region 17552; plus strand). Cytogenetic location: 20p12.1.
Variant type: Duplication.
Coding change: c.173_180dup on transcript NM_024120.5 (MANE Select); coding-DNA positions 173 to 180, 8 bases duplicated (GGGCAGCC; older notation c.173_180dupGGGCAGCC).
Protein change: p.Arg61fs; shifts the reading frame from arginine 61.
Molecular consequence: frameshift variant. On other transcripts: 5 prime UTR variant (3), non-coding transcript variant (7).
Genome position (GRCh38, 1-based): chr20:13,785,241-13,785,248, GGGCAGCC duplicated. VCF-style (leftmost placement, unchanged base first): chr20-13785240-T-TGGGCAGCC. GRCh37 (hg19) VCF-style: chr20-13765886-T-TGGGCAGCC.
Other names: c.173_180dup, p.Arg61fs (NM_001039375.3, NM_001352408.2); c.-195_-188dup (NM_001352403.2); c.-409_-402dup (NM_001352406.2); c.-523_-516dup (NM_001352407.2); short protein forms R61fs.
Identifiers: ClinVar variation 1938044 (VCV001938044.5), dbSNP rs2516093687, ClinGen allele CA2580097878.
Genomic context (GRCh38, chr20:13,785,240, plus strand): 5'-AGCACCTCGCCCAGAACCCTGAATATTTTCGACCGGGATTTGAAAAGGAAACAGAAGAAC[T>TGGGCAGCC]GGGCAGCCCGGCAGCCCGAGCCGACCAAATTTGACTACCTGAAGGAGGAGGTGAGCCCGC-3'